The following is an entry in ClinVar:

NM_006017.3(PROM1):c.683C>T (p.Thr228Ile)

Gene: PROM1 (prominin 1; minus strand). Cytogenetic location: 4p15.32.
Variant type: single nucleotide variant.
Coding change: c.683C>T on transcript NM_006017.3 (MANE Select); coding-DNA position 683, C replaced by T.
Protein change: p.Thr228Ile; replaces threonine 228 with isoleucine.
Molecular consequence: missense variant.
Genome position (GRCh38, 1-based): chr4:16,024,306, G>A on the plus strand (C>T on the coding strand, the complement: PROM1 is on the minus strand). VCF-style: chr4-16024306-G-A. GRCh37 (hg19) VCF-style: chr4-16025929-G-A.
Other names: c.656C>T, p.Thr219Ile (NM_001145847.2, NM_001145848.2, NM_001145851.2 and 4 more transcripts); c.683C>T, p.Thr228Ile (NM_001145849.2, NM_001145850.2); short protein forms T219I, T228I.
Identifiers: ClinVar variation 3610458 (VCV003610458.2).

ClinVar aggregate classification (germline): Uncertain significance (1 of 4 stars; one submission).

gnomAD v4.1: 7 of 1,613,330 alleles (0.00043%); highest among the groups gnomAD compares: Middle Eastern, 0.017%; no homozygotes.

Submission:

Labcorp Genetics (formerly Invitae), Labcorp
Classification: Uncertain significance. Last evaluated: 2024-03-01. Review status: criteria provided, single submitter. Criteria: Invitae Variant Classification Sherloc (09022015). Collection method: clinical testing. Allele origin: germline.
Comment: This sequence change replaces threonine, which is neutral and polar, with isoleucine, which is neutral and non-polar, at codon 228 of the PROM1 protein (p.Thr228Ile). This variant is present in population databases (rs760619673, gnomAD 0.01%). This variant has not been reported in the literature in individuals affected with PROM1-related conditions. Advanced modeling of protein sequence and biophysical properties (such as structural, functional, and spatial information, amino acid conservation, physicochemical variation, residue mobility, and thermodynamic stability) performed at Invitae indicates that this missense variant is not expected to disrupt PROM1 protein function with a negative predictive value of 80%. In summary, the available evidence is currently insufficient to determine the role of this variant in disease. Therefore, it has been classified as a Variant of Uncertain Significance.